The following is an entry in ClinVar:

NM_000395.3(CSF2RB):c.1489C>T (p.Pro497Ser)

Gene: CSF2RB (colony stimulating factor 2 receptor subunit beta; plus strand). Cytogenetic location: 22q12.3.
Variant type: single nucleotide variant.
Coding change: c.1489C>T on transcript NM_000395.3 (MANE Select); coding-DNA position 1489, C replaced by T.
Protein change: p.Pro497Ser; replaces proline 497 with serine.
Molecular consequence: missense variant.
Genome position (GRCh38, 1-based): chr22:36,936,573, C>T. VCF-style: chr22-36936573-C-T. GRCh37 (hg19) VCF-style: chr22-37332615-C-T.
Other names: c.1507C>T, p.Pro503Ser (NM_001410827.1); short protein forms P503S, P497S.
Identifiers: ClinVar variation 3642202 (VCV003642202.3).
Genomic context (GRCh38, chr22:36,936,573, plus strand): 5'-TGATGCTCACCGGCCCAAATGTCTCTGCTCTTGCAGAACGGGAGCGCAGAGCTTTGGCCC[C>T]CAGGCAGCATGTCGGCCTTCACTAGCGGGAGTCCCCCACACCAGGGGCCGTGGGGCAGCC-3'
Protein context (NP_000386.1, residues 487-507): FQNGSAELWP[Pro497Ser]GSMSAFTSGS

ClinVar aggregate classification (germline): Uncertain significance. Review status: criteria provided, multiple submitters, no conflicts (2 of 4 stars). 2 submissions from 2 submitters: Uncertain significance (2). Last evaluated 2024-09-24.

gnomAD v4.1: 15 of 1,613,092 alleles (0.00093%); highest among the groups gnomAD compares: Non-Finnish European, 0.0013%; no homozygotes.

Submissions (2):

Labcorp Genetics (formerly Invitae), Labcorp
Classification: Uncertain significance. Last evaluated: 2024-09-24. Review status: criteria provided, single submitter. Criteria: Invitae Variant Classification Sherloc (09022015). Collection method: clinical testing. Allele origin: germline.
Comment: This sequence change replaces proline, which is neutral and non-polar, with serine, which is neutral and polar, at codon 497 of the CSF2RB protein (p.Pro497Ser). This variant is present in population databases (no rsID available, gnomAD 0.002%). This variant has not been reported in the literature in individuals affected with CSF2RB-related conditions. Invitae Evidence Modeling of protein sequence and biophysical properties (such as structural, functional, and spatial information, amino acid conservation, physicochemical variation, residue mobility, and thermodynamic stability) indicates that this missense variant is not expected to disrupt CSF2RB protein function with a negative predictive value of 80%. In summary, the available evidence is currently insufficient to determine the role of this variant in disease. Therefore, it has been classified as a Variant of Uncertain Significance.

Blueprint Genetics
Classification: Uncertain significance. Last evaluated: 2022-09-01. Review status: criteria provided, single submitter. Criteria: ACMG Guidelines, 2015. Collection method: clinical testing. Allele origin: germline.